The following is an entry in ClinVar:

NM_004320.6(ATP2A1):c.2311G>T (p.Glu771Ter)

Gene: ATP2A1 (ATPase sarcoplasmic/endoplasmic reticulum Ca2+ transporting 1; plus strand). Cytogenetic location: 16p11.2.
Variant type: single nucleotide variant.
Coding change: c.2311G>T on transcript NM_004320.6 (MANE Select); coding-DNA position 2311, G replaced by T.
Protein change: p.Glu771Ter; replaces glutamic acid 771 with a stop codon.
Molecular consequence: nonsense.
Genome position (GRCh38, 1-based): chr16:28,902,073, G>T. VCF-style: chr16-28902073-G-T. GRCh37 (hg19) VCF-style: chr16-28913394-G-T.
Other names: c.1936G>T, p.Glu646Ter (NM_001286075.2); c.2311G>T, p.Glu771Ter (NM_173201.5); short protein forms E646*, E771*.
Identifiers: ClinVar variation 654280 (VCV000654280.7), dbSNP rs972494690, ClinGen allele CA279243929.

ClinVar aggregate classification (germline): Pathogenic/Likely pathogenic. Review status: criteria provided, multiple submitters, no conflicts (2 of 4 stars). 2 submissions from 2 submitters: Pathogenic (1); Likely pathogenic (1). Last evaluated 2025-08-18.

Conditions:
Brody myopathy. Also called: BRODY DISEASE. Identifiers: Orphanet 53347, MedGen C1832918, MONDO:0010977, OMIM 601003.

Allele frequency attached by ClinVar (database versions not stated): TOPMed 0.00001.
gnomAD v4.1: 4 of 1,614,116 alleles (0.00025%); highest among the groups gnomAD compares: Non-Finnish European, 0.00034%; no homozygotes.

Submissions (2):

Labcorp Genetics (formerly Invitae), Labcorp
Classification: Pathogenic for Brody myopathy. Last evaluated: 2025-08-18. Review status: criteria provided, single submitter. Criteria: Invitae Variant Classification Sherloc (09022015). Collection method: clinical testing. Allele origin: germline.
Comment: This sequence change creates a premature translational stop signal (p.Glu771*) in the ATP2A1 gene. It is expected to result in an absent or disrupted protein product. Loss-of-function variants in ATP2A1 are known to be pathogenic (PMID: 8841193, 10914677, 23911890). This variant is present in population databases (no rsID available, gnomAD 0.0009%). This variant has not been reported in the literature in individuals affected with ATP2A1-related conditions. ClinVar contains an entry for this variant (Variation ID: 654280). For these reasons, this variant has been classified as Pathogenic.

Athena Diagnostics
Classification: Likely pathogenic. Last evaluated: 2020-04-30. Review status: criteria provided, single submitter. Criteria: Athena Diagnostics Criteria. Collection method: clinical testing. Allele origin: unknown.
Comment: The variant creates a premature nonsense codon, and is therefore predicted to result in the loss of a functional protein. The frequency of this variant in the general population is consistent with pathogenicity.

Literature cited by the submitters: PubMed 8841193 (cited by Labcorp Genetics (formerly Invitae), Labcorp); PubMed 10914677 (cited by Labcorp Genetics (formerly Invitae), Labcorp); PubMed 23911890 (cited by Labcorp Genetics (formerly Invitae), Labcorp).